The following is an entry in ClinVar:

NM_004341.5(CAD):c.3308C>T (p.Thr1103Met)

Gene: CAD (carbamoyl-phosphate synthetase 2, aspartate transcarbamylase, and dihydroorotase; plus strand). Cytogenetic location: 2p23.3.
Variant type: single nucleotide variant.
Coding change: c.3308C>T on transcript NM_004341.5 (MANE Select); coding-DNA position 3308, C replaced by T.
Protein change: p.Thr1103Met; replaces threonine 1103 with methionine.
Molecular consequence: missense variant.
Genome position (GRCh38, 1-based): chr2:27,233,717, C>T. VCF-style: chr2-27233717-C-T. GRCh37 (hg19) VCF-style: chr2-27456585-C-T.
Other names: c.3308C>T (NM_004341.3); c.3119C>T, p.Thr1040Met (NM_001306079.2); short protein forms T1103M, T1040M.
Identifiers: ClinVar variation 1415777 (VCV001415777.6), dbSNP rs751472393, ClinGen allele CA1573247.

ClinVar aggregate classification (germline): Uncertain significance. Review status: criteria provided, multiple submitters, no conflicts (2 of 4 stars). 2 submissions from 2 submitters: Uncertain significance (2). Last evaluated 2026-02-27.

Conditions:
Inborn genetic diseases. Identifiers: MedGen C0950123, MeSH D030342.

Allele frequency attached by ClinVar (database versions not stated): ExAC 0.00002; gnomAD 0.00005 and 0.00006; TOPMed 0.00006.
gnomAD v4.1: 41 of 1,614,042 alleles (0.0025%); highest among the groups gnomAD compares: Non-Finnish European, 0.0033%; no homozygotes.

Submissions (2):

Ambry Genetics
Classification: Uncertain significance for Inborn genetic diseases. Last evaluated: 2026-02-27. Review status: criteria provided, single submitter. Criteria: Ambry Variant Classification Scheme 2023. Collection method: clinical testing. Allele origin: germline.
Comment: The c.3308C>T (p.T1103M) alteration is located in exon 21 (coding exon 21) of the CAD gene. This alteration results from a C to T substitution at nucleotide position 3308, causing the threonine (T) at amino acid position 1103 to be replaced by a methionine (M). Based on data from gnomAD, the T allele has an overall frequency of 0.003% (8/282706) total alleles studied. The highest observed frequency was 0.005% (7/129038) of European (non-Finnish) alleles. Based on insufficient or conflicting evidence, the clinical significance of this alteration remains unclear.

Labcorp Genetics (formerly Invitae), Labcorp
Classification: Uncertain significance. Last evaluated: 2024-08-06. Review status: criteria provided, single submitter. Criteria: Invitae Variant Classification Sherloc (09022015). Collection method: clinical testing. Allele origin: germline.
Comment: This sequence change replaces threonine, which is neutral and polar, with methionine, which is neutral and non-polar, at codon 1103 of the CAD protein (p.Thr1103Met). This variant is present in population databases (rs751472393, gnomAD 0.005%). This variant has not been reported in the literature in individuals affected with CAD-related conditions. ClinVar contains an entry for this variant (Variation ID: 1415777). Advanced modeling of protein sequence and biophysical properties (such as structural, functional, and spatial information, amino acid conservation, physicochemical variation, residue mobility, and thermodynamic stability) performed at Invitae indicates that this missense variant is not expected to disrupt CAD protein function with a negative predictive value of 80%. In summary, the available evidence is currently insufficient to determine the role of this variant in disease. Therefore, it has been classified as a Variant of Uncertain Significance.